The following is an entry in ClinVar:

ClinVar aggregate classification (germline): Benign/Likely benign. Review status: criteria provided, multiple submitters, no conflicts (2 of 4 stars). 6 submissions from 6 submitters: Benign (2); Likely benign (4). Last evaluated 2026-01-27.

Conditions:
Epidermolysis bullosa simplex, Ogna type (EBS5A). Also called: Pidermolysis bullosa simplex 5A, Ogna type; EPIDERMOLYSIS BULLOSA SIMPLEX 5A, OGNA TYPE. Identifiers: Orphanet 79401, MedGen C0432317, MONDO:0007555, OMIM 131950.
Epidermolysis bullosa simplex with nail dystrophy (EBS5D). Identifiers: MedGen C4225309, MONDO:0014661, OMIM 616487.
Epidermolysis bullosa simplex 5C, with pyloric atresia (EBS5C). Also called: PLEC1-Related Epidermolysis Bullosa with Pyloric Atresia; PLEC-Related Epidermolysis Bullosa with Pyloric Atresia; Epidermolysis bullosa simplex with pyloric atresia. Identifiers: Orphanet 158684, MedGen C2677349, MONDO:0012807, OMIM 612138.
Epidermolysis bullosa simplex 5B, with muscular dystrophy (EBS5B). Also called: EPIDERMOLYSIS BULLOSA SIMPLEX AND LIMB-GIRDLE MUSCULAR DYSTROPHY; Epidermolysis bullosa simplex with muscular dystrophy. Identifiers: Orphanet 257, MedGen C2931072, MONDO:0009181, OMIM 226670.
Autosomal recessive limb-girdle muscular dystrophy type 2Q (LGMDR17). Also called: MUSCULAR DYSTROPHY, LIMB-GIRDLE, AUTOSOMAL RECESSIVE 17. Identifiers: Orphanet 254361, MedGen C3150989, MONDO:0013390, OMIM 613723.

Allele frequency attached by ClinVar (database versions not stated): gnomAD exomes 0.00081; ExAC 0.00091; ESP Exome Variant Server 0.00213; 1000 Genomes Project 30x 0.00328; 1000 Genomes Project 0.00339; gnomAD 0.00352 and 0.00374; TOPMed 0.00377.
gnomAD v4.1: 977 of 1,610,752 alleles (0.061%); highest among the groups gnomAD compares: African/African-American, 1.1%; 8 homozygotes.

Submissions (6):

Labcorp Genetics (formerly Invitae), Labcorp
Classification: Benign for Autosomal recessive limb-girdle muscular dystrophy type 2Q; Epidermolysis bullosa simplex, Ogna type; Epidermolysis bullosa simplex with nail dystrophy; Epidermolysis bullosa simplex 5C, with pyloric atresia; Epidermolysis bullosa simplex 5B, with muscular dystrophy. Last evaluated: 2026-01-27. Review status: criteria provided, single submitter. Criteria: Invitae Variant Classification Sherloc (09022015). Collection method: clinical testing. Allele origin: germline.

CeGaT Center for Human Genetics Tuebingen
Classification: Likely benign. Last evaluated: 2025-12-01. Review status: criteria provided, single submitter. Criteria: CeGaT Center For Human Genetics Tuebingen Variant Classification Criteria Version 2. Collection method: clinical testing. Allele origin: germline. Affected: yes. Observed: 1 variant allele.
Comment: PLEC: BP4, BS1

Blueprint Genetics
Classification: Likely benign. Last evaluated: 2024-09-13. Review status: criteria provided, single submitter. Criteria: ACMG Guidelines, 2015. Collection method: clinical testing. Allele origin: germline.

GeneDx
Classification: Likely benign. Last evaluated: 2021-05-26. Review status: criteria provided, single submitter. Criteria: GeneDx Variant Classification Process June 2021. Collection method: clinical testing. Allele origin: germline. Affected: yes.

Eurofins Ntd Llc (ga)
Classification: Benign. Last evaluated: 2013-04-18. Review status: criteria provided, single submitter. Criteria: EGL Classification Definitions 2015. Collection method: clinical testing. Allele origin: germline. Observed: 1 variant allele, 1 heterozygote.

Breakthrough Genomics
Classification: Likely benign. Review status: criteria provided, single submitter. Criteria: ACMG Guidelines, 2015. Collection method: not provided. Allele origin: germline. Inheritance: Autosomal recessive inheritance. Affected: yes.

NM_201384.3(PLEC):c.6513G>A (p.Lys2171=)

Gene: PLEC (plectin; minus strand). Cytogenetic location: 8q24.3.
Variant type: single nucleotide variant.
Coding change: c.6513G>A on transcript NM_201384.3 (MANE Select); coding-DNA position 6513, G replaced by A.
Protein change: p.Lys2171=; no amino-acid change (lysine 2171 retained).
Molecular consequence: synonymous variant.
Genome position (GRCh38, 1-based): chr8:143,923,416, C>T on the plus strand (G>A on the coding strand, the complement: PLEC is on the minus strand). VCF-style: chr8-143923416-C-T. GRCh37 (hg19) VCF-style: chr8-144997584-C-T.
Other names: c.6594G>A, p.Lys2198= (NM_000445.5); c.6471G>A, p.Lys2157= (NM_201378.4); c.6447G>A, p.Lys2149= (NM_201379.3); c.6924G>A, p.Lys2308= (NM_201380.4); c.6417G>A, p.Lys2139= (NM_201381.3); c.6513G>A, p.Lys2171= (NM_201382.4); c.6525G>A, p.Lys2175= (NM_201383.3).
Identifiers: ClinVar variation 93074 (VCV000093074.23), dbSNP rs184102912, ClinGen allele CA146509.